The following is an entry in ClinVar:

NM_001009944.3(PKD1):c.9634_9635delinsGC (p.Phe3212Ala)

Gene: PKD1 (polycystin 1, transient receptor potential channel interacting; minus strand). Cytogenetic location: 16p13.3.
Variant type: Indel.
Coding change: c.9634_9635delinsGC on transcript NM_001009944.3 (MANE Select); coding-DNA positions 9634 to 9635, TT replaced by GC.
Protein change: p.Phe3212Ala; replaces phenylalanine 3212 with alanine.
Molecular consequence: missense variant.
Genome position (GRCh38, 1-based): chr16:2,100,243-2,100,244, AA replaced by GC on the plus strand (TT replaced by GC on the coding strand, the reverse complement: PKD1 is on the minus strand). VCF-style: chr16-2100243-AA-GC. GRCh37 (hg19) VCF-style: chr16-2150244-AA-GC.
Other names: c.9634_9635delinsGC, p.Phe3212Ala (NM_000296.4); c.9634_9635delTTinsGC (NM_001009944.2); c.9634_9635delinsGC (NM_001009944.2); short protein forms F3212A.
Identifiers: ClinVar variation 426300 (VCV000426300.3), dbSNP rs1085307551, ClinGen allele CA645294084.

ClinVar aggregate classification (germline): Uncertain significance. Review status: criteria provided, multiple submitters, no conflicts (2 of 4 stars). 2 submissions from 2 submitters: Uncertain significance (2). Last evaluated 2025-10-15.

Conditions:
Polycystic kidney disease, adult type (PKD1). Also called: Polycystic Kidney Disease 1, Autosomal Dominant; Polycystic kidney disease 1; Polycystic kidney disease 1, severe; Polycystic Kidney, Autosomal Dominant; POLYCYSTIC KIDNEY DISEASE, ADULT, TYPE I; POLYCYSTIC KIDNEY DISEASE 1 WITH OR WITHOUT POLYCYSTIC LIVER DISEASE. Identifiers: MedGen C3149841, MONDO:0008263, OMIM 173900.

Submissions (2):

GeneDx
Classification: Uncertain significance. Last evaluated: 2025-10-15. Review status: criteria provided, single submitter. Criteria: GeneDx Variant Classification Process June 2021. Collection method: clinical testing. Allele origin: germline. Affected: yes.
Comment: Observed with a pathogenic variant (phase unknown) in a patient with polycystic kidney disease in published literature; the variant is denoted in an uncombined form of two missense variants (PMID: 33964006); Not observed at significant frequency in large population cohorts (gnomAD); In silico analysis supports a deleterious effect on protein structure/function; This variant is associated with the following publications: (PMID: 33964006)

Victorian Clinical Genetics Services, Murdoch Childrens Research Institute
Classification: Uncertain significance for Polycystic kidney disease, adult type. Last evaluated: 2022-02-02. Review status: criteria provided, single submitter. Criteria: ACMG Guidelines, 2015. Collection method: clinical testing. Allele origin: germline. Inheritance: Autosomal dominant inheritance.
Comment: Based on the classification scheme VCGS_Germline_v1.3.4, this variant is classified as VUS-3B. Following criteria are met: 0102 - Loss of function is a known mechanism of disease in this gene and is associated with polycystic kidney disease 1 (MIM#173900). (I) 0107 - This gene is associated with autosomal dominant disease. Polycystic kidney disease 1 (MIM#173900) is predominantly caused by monoallelic variants, with rare reports of biallelic variants causing disease (OMIM). (I) 0200 - Variant is predicted to result in a missense amino acid change from phenylalanine to alanine. (I) 0251 - This variant is heterozygous. (I) 0302 - Variant is present in gnomAD <0.001 for a dominant condition (v2: 4 heterozygotes, 0 homozygotes). It was noted that this variant was annotated as p.(Phe3212Ser) and p.(Phe3212Val) in both v2 and v3. (SP) 0502 - Missense variant with conflicting in silico predictions and uninformative conservation. (I) 0600 - Variant is located in the annotated PLAT domain (NCBI, DECIPHER, Uniprot). (I) 0705 - No comparable missense variants have previous evidence for pathogenicity. (I) 0809 - Previous evidence of pathogenicity for this variant is inconclusive. It has been classified as a variant of uncertain significance by a diagnostic laboratory in ClinVar. In addition, both NM_000296:c.9634T>G and NM_000296:c.9635T>C have been identified in an individual with polycystic kidney disease however, there is a possibility that these two variants are in fact a single event identical to NM_001009944.2:c.9634_9635delinsGC. In this same individual, a causative frameshift variant was also identified (PMID: 33964006). (I) 0905 - No published segregation evidence has been identified for this variant. (I) 1007 - No published functional evidence has been identified for this variant. (I) 1208 - Inheritance information for this variant is not currently available in this individual. (I) Legend: (SP) - Supporting pathogenic, (I) - Information, (SB) - Supporting benign

Literature cited by the submitters: PubMed 33964006 (cited by Victorian Clinical Genetics Services, Murdoch Childrens Research Institute).